The following is an entry in ClinVar:

ClinVar aggregate classification (germline): Pathogenic/Likely pathogenic. Review status: criteria provided, multiple submitters, no conflicts (2 of 4 stars). 3 submissions from 3 submitters: Pathogenic (2); Likely pathogenic (1). Last evaluated 2024-03-29.

Conditions:
STAT2-related disorder. Also called: STAT2-related condition.
Primary immunodeficiency with post-measles-mumps-rubella vaccine viral infection. Also called: Immunodeficiency 44. Identifiers: Orphanet 431166, MedGen C4225260, MONDO:0014715, OMIM 616636.

Submissions (3):

Genomic Medicine Center of Excellence, King Faisal Specialist Hospital and Research Centre
Classification: Pathogenic for Primary immunodeficiency with post-measles-mumps-rubella vaccine viral infection. Last evaluated: 2024-03-29. Review status: criteria provided, single submitter. Criteria: ACMG Guidelines, 2015. Collection method: clinical testing. Allele origin: germline.

Baylor Genetics
Classification: Pathogenic for Primary immunodeficiency with post-measles-mumps-rubella vaccine viral infection. Last evaluated: 2020-07-09. Review status: criteria provided, single submitter. Criteria: ACMG Guidelines, 2015. Collection method: clinical testing. Allele origin: unknown. Affected: yes.
Comment: This variant was determined to be pathogenic according to ACMG Guidelines, 2015 [PMID:25741868].

Blueprint Genetics
Classification: Likely pathogenic for STAT2-related disorders. Last evaluated: 2019-07-05. Review status: criteria provided, single submitter. Criteria: ACMG Guidelines, 2015. Collection method: clinical testing. Allele origin: germline. Affected: yes. Observed: 1 variant allele.

NM_005419.4(STAT2):c.820C>T (p.Gln274Ter)

Gene: STAT2 (signal transducer and activator of transcription 2; minus strand). Cytogenetic location: 12q13.3.
Variant type: single nucleotide variant.
Coding change: c.820C>T on transcript NM_005419.4 (MANE Select); coding-DNA position 820, C replaced by T.
Protein change: p.Gln274Ter; replaces glutamine 274 with a stop codon.
Molecular consequence: nonsense.
Genome position (GRCh38, 1-based): chr12:56,351,413, G>A on the plus strand (C>T on the coding strand, the complement: STAT2 is on the minus strand). VCF-style: chr12-56351413-G-A. GRCh37 (hg19) VCF-style: chr12-56745197-G-A.
Other names: c.808C>T, p.Gln270Ter (NM_001385110.1, NM_001385115.1, NM_198332.2); c.820C>T, p.Gln274Ter (NM_001385111.1, NM_001385113.1, NM_001385114.1); short protein forms Q270*, Q274*.
Identifiers: ClinVar variation 1028887 (VCV001028887.3), dbSNP rs1878457865, ClinGen allele CA385262424.